The following is an entry in ClinVar:

ClinVar aggregate classification (germline): Uncertain significance (1 of 4 stars; one submission).

Conditions:
Nephrogenic syndrome of inappropriate antidiuresis (NSIAD). Identifiers: Orphanet 93606, MedGen C1845202, MONDO:0010356, OMIM 300539.

Submission:

Victorian Clinical Genetics Services, Murdoch Childrens Research Institute
Classification: Uncertain significance for Nephrogenic syndrome of inappropriate antidiuresis. Last evaluated: 2024-10-15. Review status: criteria provided, single submitter. Criteria: ACMG Guidelines, 2015. Collection method: clinical testing. Allele origin: germline. Affected: yes.
Comment: This variant is classified as VUS-3A. Evidence in support of pathogenic classification: Variant is absent from gnomAD (v2, v3 and v4); Another missense variant comparable to the one identified in this case has limited previous evidence for pathogenicity. p.(Leu292Pro) has been observed in one hemizygous individual with nephrogenic diabetes insipidus (PMID: 7987330); Strong phenotype match for this individual. Additional information: Variant is predicted to result in a missense amino acid change from leucine to glutamine; This variant is hemizygous; This gene is associated with X-linked recessive disease; This variant has no previous evidence of pathogenicity; No published segregation evidence has been identified for this variant; No published functional evidence has been identified for this variant; Variant is located in the annotated 7 transmembrane receptor (rhodopsin family) domain (DECIPHER); Missense variant with conflicting in silico predictions and uninformative conservation; Loss of function and gain of function are known mechanisms of disease in this gene and are associated with nephrogenic diabetes insipidus 1 (MIM#304800) and nephrogenic syndrome of inappropriate antidiuresis (MIM#300539), respectively (PMID: 27355191); Inheritance information for this variant is not currently available in this individual.

Literature cited by the submitters: PubMed 27355191; PubMed 7987330.

NM_000054.7(AVPR2):c.875T>A (p.Leu292Gln)

Gene: AVPR2 (arginine vasopressin receptor 2; plus strand). Cytogenetic location: Xq28.
Variant type: single nucleotide variant.
Coding change: c.875T>A on transcript NM_000054.7 (MANE Select); coding-DNA position 875, T replaced by A.
Protein change: p.Leu292Gln; replaces leucine 292 with glutamine.
Molecular consequence: missense variant. On other transcripts: non-coding transcript variant (1).
Genome position (GRCh38, 1-based): chrX:153,906,381, T>A. VCF-style: chrX-153906381-T-A. GRCh37 (hg19) VCF-style: chrX-153171835-T-A.
Other names: c.875T>A, p.Leu292Gln (NM_001146151.3); short protein forms L292Q.
Identifiers: ClinVar variation 4532170 (VCV004532170.1).